The following is an entry in ClinVar:

ClinVar aggregate classification (germline): Uncertain significance. Review status: criteria provided, multiple submitters, no conflicts (2 of 4 stars). 2 submissions from 2 submitters: Uncertain significance (2). Last evaluated 2026-01-01.

Conditions:
Infantile neuroaxonal dystrophy (NBIA2A). Also called: NEURODEGENERATION WITH BRAIN IRON ACCUMULATION 2A; SEITELBERGER DISEASE; Infantile neuroaxonal dystrophy 1. Identifiers: Orphanet 35069, MedGen C0270724, MONDO:0024457, OMIM 256600.

Allele frequency attached by ClinVar (database versions not stated): gnomAD exomes 0.00004 and 0.00009; TOPMed 0.00005; gnomAD 0.00002; ExAC 0.00010.
gnomAD v4.1: 68 of 1,614,078 alleles (0.0042%); highest among the groups gnomAD compares: Admixed American, 0.04%; no homozygotes.

Submissions (2):

GeneDx
Classification: Uncertain significance. Last evaluated: 2026-01-01. Review status: criteria provided, single submitter. Criteria: GeneDx Variant Classification Process June 2021. Collection method: clinical testing. Allele origin: germline. Affected: yes.
Comment: Identified in a patient with Parkinson disease in the published literature; however a second PLA2G6 variant was not identified (PMID: 27294386); In silico analysis supports that this missense variant has a deleterious effect on protein structure/function; This variant is associated with the following publications: (PMID: 27294386)

Labcorp Genetics (formerly Invitae), Labcorp
Classification: Uncertain significance for Infantile neuroaxonal dystrophy. Last evaluated: 2022-08-16. Review status: criteria provided, single submitter. Criteria: Invitae Variant Classification Sherloc (09022015). Collection method: clinical testing. Allele origin: germline.
Comment: This sequence change replaces aspartic acid, which is acidic and polar, with asparagine, which is neutral and polar, at codon 183 of the PLA2G6 protein (p.Asp183Asn). This variant is present in population databases (rs11570646, gnomAD 0.05%). This missense change has been observed in individual(s) with Parkinson‚Äôs disease (PMID: 27294386). ClinVar contains an entry for this variant (Variation ID: 854667). Advanced modeling of protein sequence and biophysical properties (such as structural, functional, and spatial information, amino acid conservation, physicochemical variation, residue mobility, and thermodynamic stability) performed at Invitae indicates that this missense variant is expected to disrupt PLA2G6 protein function. In summary, the available evidence is currently insufficient to determine the role of this variant in disease. Therefore, it has been classified as a Variant of Uncertain Significance.

Literature cited by the submitters: PubMed 27294386 (cited by Labcorp Genetics (formerly Invitae), Labcorp).

NM_003560.4(PLA2G6):c.547G>A (p.Asp183Asn)

Gene: PLA2G6 (phospholipase A2 group VI; minus strand). Cytogenetic location: 22q13.1.
Variant type: single nucleotide variant.
Coding change: c.547G>A on transcript NM_003560.4 (MANE Select); coding-DNA position 547, G replaced by A.
Protein change: p.Asp183Asn; replaces aspartic acid 183 with asparagine.
Molecular consequence: missense variant. On other transcripts: synonymous variant (1).
Genome position (GRCh38, 1-based): chr22:38,143,167, C>T on the plus strand (G>A on the coding strand, the complement: PLA2G6 is on the minus strand). VCF-style: chr22-38143167-C-T. GRCh37 (hg19) VCF-style: chr22-38539174-C-T.
Other names: c.547G>A, p.Asp183Asn (NM_001004426.3, NM_001199562.3, NM_001349864.2 and 2 more transcripts); c.13G>A, p.Asp5Asn (NM_001349867.2, NM_001349869.2); c.57G>A, p.Pro19= (NM_001349868.2); short protein forms D183N, D5N.
Identifiers: ClinVar variation 854667 (VCV000854667.11), dbSNP rs11570646, ClinGen allele CA10231236.